The following is an entry in ClinVar:

NM_003098.3(SNTA1):c.57_68dup (p.Gly24_Gly25insSerGlyAlaGly)

Genes: SNTA1 (syntrophin alpha 1; minus strand), LOC130065680 (ATAC-STARR-seq lymphoblastoid silent region 12812; plus strand). Cytogenetic location: 20q11.21.
Variant type: Duplication.
Coding change: c.57_68dup on transcript NM_003098.3 (MANE Select); coding-DNA positions 57 to 68, 12 bases duplicated (GGGCTCGGGGGC).
Protein change: p.Gly24_Gly25insSerGlyAlaGly.
Molecular consequence: inframe insertion.
Genome position (GRCh38, 1-based): chr20:33,443,553-33,443,564, GCCCCCGAGCCC duplicated on the plus strand (GGGCTCGGGGGC on the coding strand, the reverse complement: SNTA1 is on the minus strand); duplicating any 12 consecutive bases within chr20:33,443,553-33,443,569 gives the same sequence; the c. name uses the placement nearest the transcript's 3' end. VCF-style (leftmost placement, unchanged base first): chr20-33443552-G-GGCCCCCGAGCCC. GRCh37 (hg19) VCF-style: chr20-32031358-G-GGCCCCCGAGCCC.
Other names: c.57_68dup, p.Gly24_Gly25insSerGlyAlaGly (NM_001424413.1, NM_001424414.1).
Identifiers: ClinVar variation 4691298 (VCV004691298.1).

ClinVar aggregate classification (germline): Uncertain significance (1 of 4 stars; one submission).

Conditions:
Long QT syndrome (LQTS). Identifiers: MedGen C0023976, MeSH D008133, MONDO:0002442. Disease mechanism: loss of function. Inheritance: Various modes of inheritance.

Submission:

Labcorp Genetics (formerly Invitae), Labcorp
Classification: Uncertain significance for Long QT syndrome. Last evaluated: 2025-11-05. Review status: criteria provided, single submitter. Criteria: Invitae Variant Classification Sherloc (09022015). Collection method: clinical testing. Allele origin: germline.
Comment: This variant, c.57_68dup, results in the insertion of 4 amino acid(s) of the SNTA1 protein (p.Ser21_Gly24dup), but otherwise preserves the integrity of the reading frame. This variant is not present in population databases (gnomAD no frequency). This variant has not been reported in the literature in individuals affected with SNTA1-related conditions. In summary, the available evidence is currently insufficient to determine the role of this variant in disease. Therefore, it has been classified as a Variant of Uncertain Significance.